The following is an entry in ClinVar:

ClinVar aggregate classification (germline): Conflicting classifications of pathogenicity. Review status: criteria provided, conflicting classifications (1 of 4 stars). 2 submissions from 2 submitters: Uncertain significance (1); Likely benign (1). Last evaluated 2018-01-13.

Conditions:
Maturity-onset diabetes of the young (MODY). Also called: Maturity onset diabetes mellitus in young. Identifiers: Orphanet 552, MedGen C0342276, MONDO:0018911, HP:0004904.
Renal cysts and diabetes syndrome (RCAD). Also called: Familial hypoplastic, glomerulocystic kidney; MATURITY-ONSET DIABETES OF THE YOUNG, TYPE 5. Identifiers: Orphanet 93111, MedGen C0431693, MONDO:0007669, OMIM 137920.

Allele frequency attached by ClinVar (database versions not stated): 1000 Genomes Project 30x 0.00016; 1000 Genomes Project 0.00020; gnomAD 0.00025 and 0.00026; TOPMed 0.00032.

Submissions (2):

Illumina Laboratory Services, Illumina
Classification: Uncertain significance for Renal cysts and diabetes syndrome. Last evaluated: 2018-01-13. Review status: criteria provided, single submitter. Criteria: ICSL Variant Classification Criteria 13 December 2019. Collection method: clinical testing. Allele origin: germline.

Clinical Genomics, Uppaluri K&H Personalized Medicine Clinic
Classification: Likely benign for Maturity-onset diabetes of the young. Review status: criteria provided, single submitter. Criteria: K & H Uppaluri Personalized Medicine Clinic Variant Classification & Assertion Criteria_Updated V.1. Collection method: research. Allele origin: unknown. Inheritance: Autosomal dominant inheritance.
Comment: HNF1B gene mutations are associated with early onset diabetes and pancreatic atrophy. It is also associated with multiple renal manifestations including renal cysts, Tubulointerstitial disease, glomerulocystic disease, renal hypoplasia, hypomagnesemia. However no sufficient evidence is found to ascertain the role of this particular variant rs566057658, yet.

Literature cited by the submitters: PubMed 24897035 (cited by Clinical Genomics, Uppaluri K&H Personalized Medicine Clinic); PubMed 25536396 (cited by Clinical Genomics, Uppaluri K&H Personalized Medicine Clinic); PubMed 27615128 (cited by Clinical Genomics, Uppaluri K&H Personalized Medicine Clinic); PubMed 28215227 (cited by Clinical Genomics, Uppaluri K&H Personalized Medicine Clinic); PubMed 33434175 (cited by Clinical Genomics, Uppaluri K&H Personalized Medicine Clinic); PubMed 25741167 (cited by Clinical Genomics, Uppaluri K&H Personalized Medicine Clinic); PubMed 26340261 (cited by Clinical Genomics, Uppaluri K&H Personalized Medicine Clinic); PubMed 19639018 (cited by Clinical Genomics, Uppaluri K&H Personalized Medicine Clinic).

NM_000458.4(HNF1B):c.*629C>T

Gene: HNF1B (HNF1 homeobox B; minus strand). Cytogenetic location: 17q12.
Variant type: single nucleotide variant.
Coding change: c.*629C>T on transcript NM_000458.4 (MANE Select); 629 bases downstream of the stop codon, C replaced by T.
Molecular consequence: 3 prime UTR variant.
Genome position (GRCh38, 1-based): chr17:37,686,743, G>A on the plus strand (C>T on the coding strand, the complement: HNF1B is on the minus strand). VCF-style: chr17-37686743-G-A. GRCh37 (hg19) VCF-style: chr17-36046746-G-A.
Other names: c.*629C>T (NM_001165923.4); c.*537C>T (NM_001304286.2).
Identifiers: ClinVar variation 892034 (VCV000892034.5), dbSNP rs566057658, ClinGen allele CA290286254.